The following is an entry in ClinVar:

ClinVar aggregate classification (germline): Likely benign (1 of 4 stars; one submission).

Submission:

CeGaT Center for Human Genetics Tuebingen
Classification: Likely benign. Last evaluated: 2025-10-01. Review status: criteria provided, single submitter. Criteria: CeGaT Center For Human Genetics Tuebingen Variant Classification Criteria Version 2. Collection method: clinical testing. Allele origin: germline. Affected: yes. Observed: 1 variant allele.
Comment: PSTPIP1: PM2:Supporting, BP4, BP7

NM_003978.5(PSTPIP1):c.1050G>A (p.Val350=)

Gene: PSTPIP1 (proline-serine-threonine phosphatase interacting protein 1; plus strand). Cytogenetic location: 15q24.3.
Variant type: single nucleotide variant.
Coding change: c.1050G>A on transcript NM_003978.5 (MANE Select); coding-DNA position 1050, G replaced by A.
Protein change: p.Val350=; no amino-acid change (valine 350 retained).
Molecular consequence: synonymous variant. On other transcripts: non-coding transcript variant (1).
Genome position (GRCh38, 1-based): chr15:77,035,866, G>A. VCF-style: chr15-77035866-G-A. GRCh37 (hg19) VCF-style: chr15-77328207-G-A.
Other names: c.993G>A, p.Val331= (NM_001321135.2); c.1023G>A, p.Val341= (NM_001321136.2); c.1245G>A, p.Val415= (NM_001321137.1); c.1041G>A, p.Val347= (NM_001411086.1).
Identifiers: ClinVar variation 4534467 (VCV004534467.6).